The following is an entry in ClinVar:

Single allele

Genes: MRPS34 (mitochondrial ribosomal protein S34; minus strand), MSRB1 (methionine sulfoxide reductase B1; minus strand), IFT140 (intraflagellar transport 140; minus strand), NHERF2 (NHERF family PDZ scaffold protein 2; plus strand), IGFALS (insulin like growth factor binding protein acid labile subunit; minus strand) and 25 more. Cytogenetic location: 16p13.3.
Variant type: Inversion.
Identifiers: ClinVar variation 689437 (VCV000689437.1).

ClinVar aggregate classification (germline): Uncertain significance (1 of 4 stars; one submission).

Conditions:
Hereditary cancer-predisposing syndrome. Also called: Neoplastic Syndromes, Hereditary; Tumor predisposition; Hereditary neoplastic syndrome; Hereditary Cancer Syndrome. Identifiers: Orphanet 140162, MedGen C0027672, MeSH D009386, MONDO:0015356.

Submission:

Academic Department of Medical Genetics, University of Cambridge
Classification: Uncertain significance for Hereditary cancer-predisposing syndrome. Last evaluated: 2018-01-26. Review status: criteria provided, single submitter. Criteria: Whitworth J et al. (Am J Hum Genet 2018). Collection method: research. Allele origin: germline. Affected: yes. Observed: 1 heterozygote.
Comment: Identified as part of research study of individuals with multiple primary tumours referred for genetic assessment